The following is an entry in ClinVar:

NM_015910.7(WDPCP):c.1212T>G (p.Phe404Leu)

Gene: WDPCP (WD repeat containing planar cell polarity effector; minus strand). Cytogenetic location: 2p15.
Variant type: single nucleotide variant.
Coding change: c.1212T>G on transcript NM_015910.7 (MANE Select); coding-DNA position 1212, T replaced by G.
Protein change: p.Phe404Leu; replaces phenylalanine 404 with leucine.
Molecular consequence: missense variant. On other transcripts: non-coding transcript variant (3).
Genome position (GRCh38, 1-based): chr2:63,404,271, A>C on the plus strand (T>G on the coding strand, the complement: WDPCP is on the minus strand). VCF-style: chr2-63404271-A-C. GRCh37 (hg19) VCF-style: chr2-63631406-A-C.
Other names: c.735T>G, p.Phe245Leu (NM_001042692.3); c.1140T>G, p.Phe380Leu (NM_001354044.2); c.1212T>G, p.Phe404Leu (NM_001354045.2); short protein forms F245L, F380L, F404L.
Identifiers: ClinVar variation 4998194 (VCV004998194.1).

ClinVar aggregate classification (germline): Uncertain significance (1 of 4 stars; one submission).

Conditions:
WDPCP-related disorder. Also called: WDPCP-related condition.

Submission:

PreventionGenetics, part of Exact Sciences
Classification: Uncertain significance for WDPCP-related condition. Last evaluated: 2025-02-06. Review status: criteria provided, single submitter. Criteria: ACMG Guidelines, 2015. Collection method: clinical testing. Allele origin: germline.
Comment: The WDPCP c.1212T>G variant is predicted to result in the amino acid substitution p.Phe404Leu. To our knowledge, this variant has not been reported in the literature or in a large population database (gnomAD), indicating this variant is rare. At this time, the clinical significance of this variant is uncertain due to the absence of conclusive functional and genetic evidence.